The following is an entry in ClinVar:

NM_000214.3(JAG1):c.32G>C (p.Gly11Ala)

Gene: JAG1 (jagged canonical Notch ligand 1; minus strand). Cytogenetic location: 20p12.2.
Variant type: single nucleotide variant.
Coding change: c.32G>C on transcript NM_000214.3 (MANE Select); coding-DNA position 32, G replaced by C.
Protein change: p.Gly11Ala; replaces glycine 11 with alanine.
Molecular consequence: missense variant.
Genome position (GRCh38, 1-based): chr20:10,673,499, C>G on the plus strand (G>C on the coding strand, the complement: JAG1 is on the minus strand). VCF-style: chr20-10673499-C-G. GRCh37 (hg19) VCF-style: chr20-10654147-C-G.
Other names: short protein forms G11A.
Identifiers: ClinVar variation 3573326 (VCV003573326.2).

Conditions:
Arteriohepatic dysplasia. Also called: Alagille Syndrome. Identifiers: Orphanet 52, MedGen C0085280, MeSH D016738, MONDO:0007318.

Submission:

Gilbert/Spinner Lab, Children's Hospital of Philadelphia
No classification provided (evidence only). Condition: Alagille syndrome. Review status: no classification provided. Collection method: research. Allele origin: not applicable. Functional consequence: functionally_abnormal.
ClinVar note: "not provided" was previously submitted as the classification for the variant. However, the classification appeared to be based only on an observation of functional data so it was converted to no classification on 2025-07-30.